The following is an entry in ClinVar:

NM_000238.4(KCNH2):c.3331-9G>A

Gene: KCNH2 (potassium voltage-gated channel subfamily H member 2; minus strand). Cytogenetic location: 7q36.1.
Variant type: single nucleotide variant.
Coding change: c.3331-9G>A on transcript NM_000238.4 (MANE Select); 9 bases into the intron before coding-DNA position 3331, G replaced by A.
Molecular consequence: intron variant.
Genome position (GRCh38, 1-based): chr7:150,945,523, C>T on the plus strand (G>A on the coding strand, the complement: KCNH2 is on the minus strand). VCF-style: chr7-150945523-C-T. GRCh37 (hg19) VCF-style: chr7-150642611-C-T.
Other names: c.2311-9G>A (NM_172057.3).
Identifiers: ClinVar variation 632867 (VCV000632867.8), dbSNP rs754582515, ClinGen allele CA038719.
Genomic context (GRCh38, chr7:150,945,523, plus strand): 5'-GAAGCTCTGGGGCCCCCGGGGGCAGCTCCTCACACGCCATGAACTGGGAAACCTGCAATA[C>T]ACACAGAGCATGGGCAGGCGAAGAGGCCATGGAGGAGGAGGAAGGGGAGGGAAAGGGGCA-3'

ClinVar aggregate classification (germline): Likely benign. Review status: criteria provided, multiple submitters, no conflicts (2 of 4 stars). 2 submissions from 2 submitters: Likely benign (2). Last evaluated 2025-11-27.

Conditions:
Long QT syndrome (LQTS). Identifiers: MedGen C0023976, MeSH D008133, MONDO:0002442. Disease mechanism: loss of function. Inheritance: Various modes of inheritance.

Allele frequency attached by ClinVar (database versions not stated): gnomAD below 0.00001 and 0.00002; gnomAD exomes 0.00002 and 0.00005; ExAC 0.00029.
gnomAD v4.1: 35 of 1,548,610 alleles (0.0023%); highest among the groups gnomAD compares: South Asian, 0.038%; no homozygotes.

Submissions (2):

Labcorp Genetics (formerly Invitae), Labcorp
Classification: Likely benign for Long QT syndrome. Last evaluated: 2025-11-27. Review status: criteria provided, single submitter. Criteria: Invitae Variant Classification Sherloc (09022015). Collection method: clinical testing. Allele origin: germline.

Women's Health and Genetics/Laboratory Corporation of America, LabCorp
Classification: Likely benign. Last evaluated: 2018-05-08. Review status: criteria provided, single submitter. Criteria: LabCorp Variant Classification Summary - May 2015. Collection method: clinical testing. Allele origin: germline.
Comment: Variant summary: KCNH2 c.3331-9G>A alters a non-conserved nucleotide located close to a canonical splice site and therefore could affect mRNA splicing, leading to a significantly altered protein sequence. 5/5 computational tools predict no significant impact on normal splicing. However, these predictions have yet to be confirmed by functional studies. The observed variant frequency within South Asian control individuals in the gnomAD database is approximately 3 fold of the estimated maximal expected allele frequency for a pathogenic variant in KCNH2 causing Arrhythmia phenotype (0.0001), strongly suggesting that the variant is a benign polymorphism found primarily in populations of South Asian origin. To our knowledge, no occurrence of c.3331-9G>A in individuals affected with Arrhythmia and no experimental evidence demonstrating its impact on protein function have been reported. No clinical diagnostic laboratories have submitted clinical-significance assessments for this variant to ClinVar after 2014. Based on the evidence outlined above, the variant was classified as likley benign.